The following is an entry in ClinVar:

NM_017547.4(FOXRED1):c.483dup (p.Leu162fs)

Gene: FOXRED1 (FAD dependent oxidoreductase domain containing 1; plus strand). Cytogenetic location: 11q24.2.
Variant type: Duplication.
Coding change: c.483dup on transcript NM_017547.4 (MANE Select); coding-DNA position 483, one base duplicated (G; older notation c.483dupG).
Protein change: p.Leu162fs; shifts the reading frame from leucine 162.
Molecular consequence: frameshift variant. On other transcripts: non-coding transcript variant (2).
Genome position (GRCh38, 1-based): chr11:126,273,401, G duplicated. VCF-style (leftmost placement, unchanged base first): chr11-126273400-T-TG. GRCh37 (hg19) VCF-style: chr11-126143295-T-TG.
Other names: c.513dup, p.Leu172Alafs (NM_001425160.1); c.483dup, p.Leu162Alafs (NM_001425161.1, NM_001425163.1, NM_001425165.1 and 2 more transcripts); c.480dup, p.Leu161Alafs (NM_001425164.1); c.-28dup (NM_001425168.1, NM_001425169.1, NM_001425170.1); c.-75dup (NM_001425171.1, NM_001425172.1); c.-56dup (NM_001425173.1, NM_001425174.1, NM_001425175.1); short protein forms L162fs.
Identifiers: ClinVar variation 2750712 (VCV002750712.3), dbSNP rs2497179129, ClinGen allele CA2697559043.

ClinVar aggregate classification (germline): Pathogenic (1 of 4 stars; one submission).

Submission:

Labcorp Genetics (formerly Invitae), Labcorp
Classification: Pathogenic. Last evaluated: 2023-05-30. Review status: criteria provided, single submitter. Criteria: Invitae Variant Classification Sherloc (09022015). Collection method: clinical testing. Allele origin: germline.
Comment: This variant has not been reported in the literature in individuals affected with FOXRED1-related conditions. This variant is not present in population databases (gnomAD no frequency). This sequence change creates a premature translational stop signal (p.Leu162Alafs*30) in the FOXRED1 gene. It is expected to result in an absent or disrupted protein product. Loss-of-function variants in FOXRED1 are known to be pathogenic (PMID: 20818383, 20858599). For these reasons, this variant has been classified as Pathogenic.

Literature cited by the submitters: PubMed 20818383; PubMed 20858599.